The following is an entry in ClinVar:

ClinVar aggregate classification (germline): Uncertain significance (1 of 4 stars; one submission).

gnomAD v4.1: 1 of 1,613,198 alleles (0.000062%); highest among the groups gnomAD compares: Non-Finnish European, 0.000085%; no homozygotes.

Submission:

Labcorp Genetics (formerly Invitae), Labcorp
Classification: Uncertain significance. Last evaluated: 2022-06-14. Review status: criteria provided, single submitter. Criteria: Invitae Variant Classification Sherloc (09022015). Collection method: clinical testing. Allele origin: germline.
Comment: This variant has not been reported in the literature in individuals affected with COL18A1-related conditions. In summary, the available evidence is currently insufficient to determine the role of this variant in disease. Therefore, it has been classified as a Variant of Uncertain Significance. Variants that disrupt the consensus splice site are a relatively common cause of aberrant splicing (PMID: 17576681, 9536098). Algorithms developed to predict the effect of sequence changes on RNA splicing suggest that this variant may create or strengthen a splice site. This variant is not present in population databases (gnomAD no frequency). This sequence change falls in intron 23 of the COL18A1 gene. It does not directly change the encoded amino acid sequence of the COL18A1 protein. It affects a nucleotide within the consensus splice site.

Literature cited by the submitters: PubMed 17576681; PubMed 9536098.

NM_001379500.1(COL18A1):c.2187+5G>A

Gene: COL18A1 (collagen type XVIII alpha 1 chain; plus strand). Cytogenetic location: 21q22.3.
Variant type: single nucleotide variant.
Coding change: c.2187+5G>A on transcript NM_001379500.1 (MANE Select); 5 bases into the intron after coding-DNA position 2187, G replaced by A.
Molecular consequence: intron variant.
Genome position (GRCh38, 1-based): chr21:45,492,569, G>A. VCF-style: chr21-45492569-G-A. GRCh37 (hg19) VCF-style: chr21-46912483-G-A.
Other names: c.3432+5G>A (NM_130444.3); c.2727+5G>A (NM_030582.4).
Identifiers: ClinVar variation 2006115 (VCV002006115.4), dbSNP rs2036388970, ClinGen allele CA2392182285.